The following is an entry in ClinVar:

ClinVar aggregate classification (germline): Uncertain significance (1 of 4 stars; one submission).

gnomAD v4.1: 4 of 1,195,648 alleles (0.00033%); highest among the groups gnomAD compares: Admixed American, 0.0022%; no homozygotes.

Submission:

Labcorp Genetics (formerly Invitae), Labcorp
Classification: Uncertain significance. Last evaluated: 2024-02-24. Review status: criteria provided, single submitter. Criteria: Invitae Variant Classification Sherloc (09022015). Collection method: clinical testing. Allele origin: germline.
Comment: This sequence change replaces threonine, which is neutral and polar, with methionine, which is neutral and non-polar, at codon 391 of the GYG2 protein (p.Thr391Met). The frequency data for this variant in the population databases is considered unreliable, as metrics indicate poor data quality at this position in the gnomAD database. This variant has not been reported in the literature in individuals affected with GYG2-related conditions. Algorithms developed to predict the effect of missense changes on protein structure and function output the following: SIFT: "Not Available"; PolyPhen-2: "Benign"; Align-GVGD: "Not Available". The methionine amino acid residue is found in multiple mammalian species, which suggests that this missense change does not adversely affect protein function. In summary, the available evidence is currently insufficient to determine the role of this variant in disease. Therefore, it has been classified as a Variant of Uncertain Significance.

NM_001079855.2(GYG2):c.1079C>T (p.Thr360Met)

Gene: GYG2 (glycogenin 2; plus strand). Cytogenetic location: Xp22.33.
Variant type: single nucleotide variant.
Coding change: c.1079C>T on transcript NM_001079855.2 (MANE Select); coding-DNA position 1079, C replaced by T.
Protein change: p.Thr360Met; replaces threonine 360 with methionine.
Molecular consequence: missense variant. On other transcripts: intron variant (2).
Genome position (GRCh38, 1-based): chrX:2,875,850, C>T. VCF-style: chrX-2875850-C-T. GRCh37 (hg19) VCF-style: chrX-2793891-C-T.
Other names: c.1079C>T, p.Thr360Met (NM_001184702.2); c.1172C>T, p.Thr391Met (NM_003918.3); c.1132-5202C>T (NM_001184703.2); c.574-5202C>T (NM_001184704.2); short protein forms T360M, T391M.
Identifiers: ClinVar variation 3612031 (VCV003612031.2).